The following is an entry in ClinVar:

NM_005853.6(IRX5):c.888G>T (p.Pro296=)

Gene: IRX5 (iroquois homeobox 5; plus strand). Cytogenetic location: 16q12.2.
Variant type: single nucleotide variant.
Coding change: c.888G>T on transcript NM_005853.6 (MANE Select); coding-DNA position 888, G replaced by T.
Protein change: p.Pro296=; no amino-acid change (proline 296 retained).
Molecular consequence: synonymous variant.
Genome position (GRCh38, 1-based): chr16:54,933,309, G>T. VCF-style: chr16-54933309-G-T. GRCh37 (hg19) VCF-style: chr16-54967221-G-T.
Other names: c.885G>T, p.Pro295= (NM_001252197.1).
Identifiers: ClinVar variation 5040200 (VCV005040200.1).

ClinVar aggregate classification (germline): Likely benign (1 of 4 stars; one submission).

Submission:

CeGaT Center for Human Genetics Tuebingen
Classification: Likely benign. Last evaluated: 2026-07-01. Review status: criteria provided, single submitter. Criteria: CeGaT Center For Human Genetics Tuebingen Variant Classification Criteria Version 2. Collection method: clinical testing. Allele origin: germline. Affected: yes. Observed: 1 variant allele.
Comment: IRX5: PM2:Supporting, BP4, BP7